The following is an entry in ClinVar:

NM_001365276.2(TNXB):c.9589del (p.Thr3197fs)

Gene: TNXB (tenascin XB; minus strand). Cytogenetic location: 6p21.33.
Variant type: Deletion.
Coding change: c.9589del on transcript NM_001365276.2 (MANE Select); coding-DNA position 9589, one base deleted (A; older notation c.9589delA).
Protein change: p.Thr3197fs; shifts the reading frame from threonine 3197.
Molecular consequence: frameshift variant.
Genome position (GRCh38, 1-based): chr6:32,049,438, T deleted on the plus strand (A on the coding strand, the reverse complement: TNXB is on the minus strand). VCF-style (leftmost placement, unchanged base first): chr6-32049437-GT-G. GRCh37 (hg19) VCF-style: chr6-32017214-GT-G.
Other names: c.9583del, p.Thr3195fs (NM_019105.8); c.9589delA (NM_001365276.2); short protein forms T3195fs, T3197fs.
Identifiers: ClinVar variation 3255080 (VCV003255080.1), dbSNP rs2483424286.

ClinVar aggregate classification (germline): Pathogenic (1 of 4 stars; one submission).

Conditions:
Ehlers-Danlos syndrome due to tenascin-X deficiency (EDSCLL1). Also called: EDS DUE TO TNX DEFICIENCY; TNXB-Related Classical-Like Ehlers-Danlos Syndrome; TNX DEFICIENCY; EHLERS-DANLOS SYNDROME, CLASSIC-LIKE; Ehlers-Danlos syndrome, classic-like, 1. Identifiers: Orphanet 230839, MedGen C1848029, MONDO:0011670, OMIM 606408.

Submission:

Victorian Clinical Genetics Services, Murdoch Childrens Research Institute
Classification: Pathogenic for Ehlers-Danlos syndrome due to tenascin-X deficiency. Last evaluated: 2023-12-21. Review status: criteria provided, single submitter. Criteria: ACMG Guidelines, 2015. Collection method: clinical testing. Allele origin: germline. Inheritance: Autosomal recessive inheritance. Affected: yes.
Comment: Based on the classification scheme VCGS_Germline_v1.3.4, this variant is classified as Pathogenic. Following criteria are met: 0102 - Loss of function is a known mechanism of disease in this gene and is associated with Ehlers-Danlos syndrome, classic-like (MIM#606408). (I) 0106 - This gene is associated with autosomal recessive disease. (I) 0201 - Variant is predicted to cause nonsense-mediated decay (NMD) and loss of protein (premature termination codon is located at least 54 nucleotides upstream of the final exon-exon junction). (SP) 0251 - This variant is heterozygous. (I) 0301 - Variant is absent from gnomAD (both v2 and v3). (SP) 0701 - Other NMD-predicted variants comparable to the one identified in this case have very strong previous evidence for pathogenicity (DECIPHER). (SP) 0807 - This variant has no previous evidence of pathogenicity. (I) 0905 - No published segregation evidence has been identified for this variant. (I) 1007 - No published functional evidence has been identified for this variant. (I) 1208 - Inheritance information for this variant is not currently available in this individual. (I) Legend: (SP) - Supporting pathogenic, (I) - Information, (SB) - Supporting benign